The following is an entry in ClinVar:

ClinVar aggregate classification (germline): Uncertain significance. Review status: criteria provided, single submitter (1 of 4 stars). 2 submissions from 2 submitters: Uncertain significance (1). 1 of the submissions does not count toward it. Last evaluated 2026-01-06.

Conditions:
Hereditary spastic paraplegia 49 (HSAN9). Also called: TECPR2-Related Hereditary Sensory and Autonomic Neuropathy with Intellectual Disability; Spastic paraplegia 49, autosomal recessive; NEUROPATHY, HEREDITARY SENSORY AND AUTONOMIC, TYPE IX, WITH DEVELOPMENTAL DELAY. Identifiers: Orphanet 320385, MedGen C5190860, MONDO:0014016, OMIM 615031.

Submissions (2):

Women's Health and Genetics/Laboratory Corporation of America, LabCorp
Classification: Uncertain significance. Last evaluated: 2026-01-06. Review status: criteria provided, single submitter. Criteria: LabCorp Variant Classification Summary - May 2015. Collection method: clinical testing. Allele origin: germline.
Comment: Variant summary: TECPR2 c.3179A>T (p.Lys1060Met) results in a non-conservative amino acid change in the encoded protein sequence. Algorithms developed to predict the effect of missense changes on protein structure and function are either unavailable or do not agree on the potential impact of this missense change. The variant was absent in 251490 control chromosomes. The available data on variant occurrences in the general population are insufficient to allow any conclusion about variant significance. To our knowledge, no occurrence of c.3179A>T in individuals affected with TECPR2-related conditions and no experimental evidence demonstrating its impact on protein function have been reported. No submitters have cited clinical-significance assessments for this variant to ClinVar. Based on the evidence outlined above, the variant was classified as uncertain significance.

Natera, Inc.
Classification: Uncertain significance for Autosomal recessive spastic paraplegia type 49. Last evaluated: 2025-03-03. Review status: no assertion criteria provided. Collection method: clinical testing. Allele origin: germline. Not counted in ClinVar's aggregate classification.

NM_014844.5(TECPR2):c.3179A>T (p.Lys1060Met)

Gene: TECPR2 (tectonin beta-propeller repeat containing 2; plus strand). Cytogenetic location: 14q32.31.
Variant type: single nucleotide variant.
Coding change: c.3179A>T on transcript NM_014844.5 (MANE Select); coding-DNA position 3179, A replaced by T.
Protein change: p.Lys1060Met; replaces lysine 1060 with methionine.
Molecular consequence: missense variant.
Genome position (GRCh38, 1-based): chr14:102,449,732, A>T. VCF-style: chr14-102449732-A-T. GRCh37 (hg19) VCF-style: chr14-102916069-A-T.
Other names: c.3179A>T, p.Lys1060Met (NM_001172631.3); short protein forms K1060M.
Identifiers: ClinVar variation 4062124 (VCV004062124.2).